The following is an entry in ClinVar:

ClinVar aggregate classification (germline): Likely benign. Review status: criteria provided, multiple submitters, no conflicts (2 of 4 stars). 4 submissions from 4 submitters: Likely benign (4). Last evaluated 2025-11-04.

Conditions:
Long QT syndrome (LQTS). Identifiers: MedGen C0023976, MeSH D008133, MONDO:0002442. Disease mechanism: loss of function. Inheritance: Various modes of inheritance.
Cardiovascular phenotype. Identifiers: MedGen CN230736.
Cardiac arrhythmia. Also called: Cardiac rhythm disease; Arrhythmia. Identifiers: MedGen C0003811, MONDO:0007263, HP:0011675.

Allele frequency attached by ClinVar (database versions not stated): gnomAD exomes below 0.00001; TOPMed 0.00001.
gnomAD v4.1: 2 of 1,614,206 alleles (0.00012%); highest among the groups gnomAD compares: South Asian, 0.0011%; no homozygotes.

Submissions (4):

Labcorp Genetics (formerly Invitae), Labcorp
Classification: Likely benign for Long QT syndrome. Last evaluated: 2025-11-04. Review status: criteria provided, single submitter. Criteria: Invitae Variant Classification Sherloc (09022015). Collection method: clinical testing. Allele origin: germline.

Ambry Genetics
Classification: Likely benign for Cardiovascular phenotype. Last evaluated: 2024-11-03. Review status: criteria provided, single submitter. Criteria: Ambry Variant Classification Scheme 2023. Collection method: clinical testing. Allele origin: germline.

All of Us Research Program, National Institutes of Health
Classification: Likely benign for Long QT syndrome. Last evaluated: 2023-04-03. Review status: criteria provided, single submitter. Criteria: ACMG Guidelines, 2015. Collection method: clinical testing. Allele origin: germline. Inheritance: Autosomal dominant inheritance. Observed: 1 variant allele, 1 heterozygote.
Comment: This study involves interpretation of variants in research participants for the purpose of population health screening. Participant phenotype was not available at the time of variant classification. Additional details can be found in publication PMID: 35346344, PMCID: PMC8962531

Color Diagnostics, LLC DBA Color Health
Classification: Likely benign for Arrhythmia. Last evaluated: 2018-11-09. Review status: criteria provided, single submitter. Criteria: ACMG Guidelines, 2015. Collection method: clinical testing. Allele origin: germline.

NM_000238.4(KCNH2):c.2562C>T (p.Ser854=)

Gene: KCNH2 (potassium voltage-gated channel subfamily H member 2; minus strand). Cytogenetic location: 7q36.1.
Variant type: single nucleotide variant.
Coding change: c.2562C>T on transcript NM_000238.4 (MANE Select); coding-DNA position 2562, C replaced by T.
Protein change: p.Ser854=; no amino-acid change (serine 854 retained).
Molecular consequence: synonymous variant.
Genome position (GRCh38, 1-based): chr7:150,948,886, G>A on the plus strand (C>T on the coding strand, the complement: KCNH2 is on the minus strand). VCF-style: chr7-150948886-G-A. GRCh37 (hg19) VCF-style: chr7-150645974-G-A.
Other names: c.1542C>T, p.Ser514= (NM_172057.3).
Identifiers: ClinVar variation 926395 (VCV000926395.14), dbSNP rs897540177, ClinGen allele CA169074743.